The following is an entry in ClinVar:

ClinVar aggregate classification (germline): Uncertain significance. Review status: criteria provided, multiple submitters, no conflicts (2 of 4 stars). 4 submissions from 4 submitters: Uncertain significance (4). Last evaluated 2025-06-23.

Conditions:
RYR1-related disorder. Also called: RYR1-related condition; RYR1-related disorders. Identifiers: MedGen CN239331.
King Denborough syndrome (KDS). Identifiers: MedGen C1840365, MONDO:0020485, OMIM 619542.
Malignant hyperthermia, susceptibility to, 1 (MHS1). Also called: Anesthesia related hyperthermia; Malignant hyperpyrexia; Fulminating hyperpyrexia; Pharmacogenic myopathy; RYR1-Related Malignant Hyperthermia Susceptibility; Malignant hyperthermia suceptibility 1. Identifiers: Orphanet 423, MedGen C2930980, MONDO:0007783, OMIM 145600.
Central core myopathy (CMYO1A). Also called: CONGENITAL MYOPATHY 1A, AUTOSOMAL DOMINANT, WITH SUSCEPTIBILITY TO MALIGNANT HYPERTHERMIA; Central core disease; Myopathy, central fibrillar. Identifiers: Orphanet 597, MedGen C5830701, MONDO:0007294, OMIM 117000.
Congenital multicore myopathy with external ophthalmoplegia (CMYO1B). Also called: Congenital myopathy 1B, autosomal recessive; Minicore myopathy; Minicore myopathy with external ophthalmoplegia; MULTICORE MYOPATHY; MULTIMINICORE DISEASE WITH EXTERNAL OPHTHALMOPLEGIA. Identifiers: Orphanet 598, Orphanet 98905, MedGen C1850674, MONDO:0009712, OMIM 255320, HP:0003789.
Congenital myopathy with fiber type disproportion. Also called: Congenital fiber-type disproportion; Congenital fiber-type disproportion myopathy. Identifiers: Orphanet 2020, MedGen C0546264, MONDO:0009711. Inheritance: all.

Allele frequency attached by ClinVar (database versions not stated): gnomAD exomes below 0.00001; gnomAD 0.00003; TOPMed 0.00004.
gnomAD v4.1: 6 of 1,613,938 alleles (0.00037%); highest among the groups gnomAD compares: African/African-American, 0.0067%; no homozygotes.

Submissions (4):

Color Diagnostics, LLC DBA Color Health
Classification: Uncertain significance for Malignant hyperthermia, susceptibility to, 1. Last evaluated: 2025-06-23. Review status: criteria provided, single submitter. Criteria: ACMG Guidelines, 2015. Collection method: clinical testing. Allele origin: germline.
Comment: This missense variant replaces asparagine with histidine at codon 3643 of the RYR1 protein. Computational prediction suggests that this variant may have deleterious impact on protein structure and function. To our knowledge, functional studies have not been reported for this variant. This variant has not been reported in individuals affected with RYR1-related disorders in the literature. This variant has been identified in 2/282812 chromosomes in the general population by the Genome Aggregation Database (gnomAD). The available evidence is insufficient to determine the role of this variant in disease conclusively. Therefore, this variant is classified as a Variant of Uncertain Significance.

Labcorp Genetics (formerly Invitae), Labcorp
Classification: Uncertain significance for RYR1-related disorder. Last evaluated: 2024-03-18. Review status: criteria provided, single submitter. Criteria: Invitae Variant Classification Sherloc (09022015). Collection method: clinical testing. Allele origin: germline.
Comment: This sequence change replaces asparagine, which is neutral and polar, with histidine, which is basic and polar, at codon 3643 of the RYR1 protein (p.Asn3643His). This variant is present in population databases (no rsID available, gnomAD 0.008%). This variant has not been reported in the literature in individuals affected with RYR1-related conditions. ClinVar contains an entry for this variant (Variation ID: 1047241). Advanced modeling of protein sequence and biophysical properties (such as structural, functional, and spatial information, amino acid conservation, physicochemical variation, residue mobility, and thermodynamic stability) has been performed at Invitae for this missense variant, however the output from this modeling did not meet the statistical confidence thresholds required to predict the impact of this variant on RYR1 protein function. In summary, the available evidence is currently insufficient to determine the role of this variant in disease. Therefore, it has been classified as a Variant of Uncertain Significance.

All of Us Research Program, National Institutes of Health
Classification: Uncertain significance for Malignant hyperthermia, susceptibility to, 1. Last evaluated: 2023-11-09. Review status: criteria provided, single submitter. Criteria: ACMG Guidelines, 2015. Collection method: clinical testing. Allele origin: germline. Inheritance: Autosomal dominant inheritance. Observed: 2 variant alleles, 2 heterozygotes.
Comment: This study involves interpretation of variants in research participants for the purpose of population health screening. Participant phenotype was not available at the time of variant classification. Additional details can be found in publication PMID: 35346344, PMCID: PMC8962531

Fulgent Genetics
Classification: Uncertain significance for Central core myopathy; Malignant hyperthermia, susceptibility to, 1; Congenital myopathy 4A, autosomal dominant; Congenital multicore myopathy with external ophthalmoplegia; King Denborough syndrome. Last evaluated: 2021-07-27. Review status: criteria provided, single submitter. Criteria: ACMG Guidelines, 2015. Collection method: clinical testing. Allele origin: unknown.

NM_000540.3(RYR1):c.10927A>C (p.Asn3643His)

Gene: RYR1 (ryanodine receptor 1; plus strand). Cytogenetic location: 19q13.2.
Variant type: single nucleotide variant.
Coding change: c.10927A>C on transcript NM_000540.3 (MANE Select); coding-DNA position 10927, A replaced by C.
Protein change: p.Asn3643His; replaces asparagine 3643 with histidine.
Molecular consequence: missense variant.
Genome position (GRCh38, 1-based): chr19:38,528,408, A>C. VCF-style: chr19-38528408-A-C. GRCh37 (hg19) VCF-style: chr19-39019048-A-C.
Other names: c.10912A>C, p.Asn3638His (NM_001042723.2); short protein forms N3643H, N3638H.
Identifiers: ClinVar variation 1047241 (VCV001047241.6), dbSNP rs924687841, ClinGen allele CA308081831.